The following is an entry in ClinVar:

ClinVar aggregate classification (germline): Uncertain significance. Review status: criteria provided, multiple submitters, no conflicts (2 of 4 stars). 2 submissions from 2 submitters: Uncertain significance (2). Last evaluated 2025-06-05.

Conditions:
Renal cell carcinoma. Identifiers: Orphanet 217071, MedGen C0007134, MeSH D002292, MONDO:0005086, HP:0005584.
Hereditary cancer-predisposing syndrome. Also called: Hereditary Cancer Syndrome; Tumor predisposition; Hereditary neoplastic syndrome; Neoplastic Syndromes, Hereditary. Identifiers: Orphanet 140162, MedGen C0027672, MeSH D009386, MONDO:0015356.

Allele frequency attached by ClinVar (database versions not stated): gnomAD exomes below 0.00001; TOPMed below 0.00001; gnomAD 0.00001.
gnomAD v4.1: 2 of 1,613,844 alleles (0.00012%); highest among the groups gnomAD compares: Non-Finnish European, 0.00017%; no homozygotes.

Submissions (2):

Ambry Genetics
Classification: Uncertain significance for Hereditary cancer-predisposing syndrome. Last evaluated: 2025-06-05. Review status: criteria provided, single submitter. Criteria: Ambry Variant Classification Scheme 2023. Collection method: clinical testing. Allele origin: germline.
Comment: The p.I131V variant (also known as c.391A>G), located in coding exon 1 of the MET gene, results from an A to G substitution at nucleotide position 391. The isoleucine at codon 131 is replaced by valine, an amino acid with highly similar properties. This amino acid position is well conserved in available vertebrate species. In addition, this alteration is predicted to be tolerated by in silico analysis. Since supporting evidence is limited at this time, the clinical significance of this alteration remains unclear.

Labcorp Genetics (formerly Invitae), Labcorp
Classification: Uncertain significance for Renal cell carcinoma. Last evaluated: 2024-08-07. Review status: criteria provided, single submitter. Criteria: Invitae Variant Classification Sherloc (09022015). Collection method: clinical testing. Allele origin: germline.
Comment: This sequence change replaces isoleucine, which is neutral and non-polar, with valine, which is neutral and non-polar, at codon 131 of the MET protein (p.Ile131Val). This variant is not present in population databases (gnomAD no frequency). This variant has not been reported in the literature in individuals affected with MET-related conditions. ClinVar contains an entry for this variant (Variation ID: 1416814). Advanced modeling of protein sequence and biophysical properties (such as structural, functional, and spatial information, amino acid conservation, physicochemical variation, residue mobility, and thermodynamic stability) performed at Invitae indicates that this missense variant is not expected to disrupt MET protein function with a negative predictive value of 80%. In summary, the available evidence is currently insufficient to determine the role of this variant in disease. Therefore, it has been classified as a Variant of Uncertain Significance.

NM_000245.4(MET):c.391A>G (p.Ile131Val)

Gene: MET (MET proto-oncogene, receptor tyrosine kinase; plus strand). Cytogenetic location: 7q31.2.
Variant type: single nucleotide variant.
Coding change: c.391A>G on transcript NM_000245.4 (MANE Select); coding-DNA position 391, A replaced by G.
Protein change: p.Ile131Val; replaces isoleucine 131 with valine.
Molecular consequence: missense variant. On other transcripts: intron variant (1).
Genome position (GRCh38, 1-based): chr7:116,699,475, A>G. VCF-style: chr7-116699475-A-G. GRCh37 (hg19) VCF-style: chr7-116339529-A-G.
Other names: c.391A>G, p.Ile131Val (NM_001127500.3, NM_001324401.3); c.-91+26898A>G (NM_001324402.2); short protein forms I131V.
Identifiers: ClinVar variation 1416814 (VCV001416814.11), dbSNP rs1309236031, ClinGen allele CA368968976.